The following is an entry in ClinVar:

ClinVar aggregate classification (germline): Uncertain significance. Review status: criteria provided, multiple submitters, no conflicts (2 of 4 stars). 2 submissions from 2 submitters: Uncertain significance (2). Last evaluated 2023-07-26.

Conditions:
Hereditary cancer-predisposing syndrome. Also called: Tumor predisposition; Neoplastic Syndromes, Hereditary; Hereditary neoplastic syndrome; Hereditary Cancer Syndrome. Identifiers: Orphanet 140162, MedGen C0027672, MeSH D009386, MONDO:0015356.

Submissions (2):

Labcorp Genetics (formerly Invitae), Labcorp
Classification: Uncertain significance. Last evaluated: 2023-07-26. Review status: criteria provided, single submitter. Criteria: Invitae Variant Classification Sherloc (09022015). Collection method: clinical testing. Allele origin: germline.
Comment: This sequence change replaces glutamine, which is neutral and polar, with glutamic acid, which is acidic and polar, at codon 303 of the NTHL1 protein (p.Gln303Glu). This variant is not present in population databases (gnomAD no frequency). This variant has not been reported in the literature in individuals affected with NTHL1-related conditions. ClinVar contains an entry for this variant (Variation ID: 1017123). An algorithm developed to predict the effect of missense changes on protein structure and function (PolyPhen-2) suggests that this variant is likely to be tolerated. In summary, the available evidence is currently insufficient to determine the role of this variant in disease. Therefore, it has been classified as a Variant of Uncertain Significance.

Ambry Genetics
Classification: Uncertain significance for Hereditary cancer-predisposing syndrome. Last evaluated: 2023-06-14. Review status: criteria provided, single submitter. Criteria: Ambry Variant Classification Scheme 2023. Collection method: clinical testing. Allele origin: germline.
Comment: The p.Q303E variant (also known as c.907C>G), located in coding exon 6 of the NTHL1 gene, results from a C to G substitution at nucleotide position 907. The glutamine at codon 303 is replaced by glutamic acid, an amino acid with highly similar properties. This amino acid position is not well conserved in available vertebrate species. In addition, this alteration is predicted to be tolerated by in silico analysis. Since supporting evidence is limited at this time, the clinical significance of this alteration remains unclear.

NM_002528.7(NTHL1):c.883C>G (p.Gln295Glu)

Gene: NTHL1 (nth like DNA glycosylase 1; minus strand). Cytogenetic location: 16p13.3.
Variant type: single nucleotide variant.
Coding change: c.883C>G on transcript NM_002528.7 (MANE Select); coding-DNA position 883, C replaced by G.
Protein change: p.Gln295Glu; replaces glutamine 295 with glutamic acid.
Molecular consequence: missense variant.
Genome position (GRCh38, 1-based): chr16:2,039,956, G>C on the plus strand (C>G on the coding strand, the complement: NTHL1 is on the minus strand). VCF-style: chr16-2039956-G-C. GRCh37 (hg19) VCF-style: chr16-2089957-G-C.
Other names: c.907C>G (NM_002528.5); c.712C>G, p.Gln238Glu (NM_001318193.2); c.553C>G, p.Gln185Glu (NM_001318194.2); short protein forms Q185E, Q238E, Q295E.
Identifiers: ClinVar variation 1017123 (VCV001017123.9), dbSNP rs2084236498, ClinGen allele CA394287077.
Genomic context (GRCh38, chr16:2,039,956, plus strand): 5'-CGGCACCTCGGCCAGAGCCATGCGGCCATCAGAGACCCTGGGCGGCCGGGCAGAGGGCTT[G>C]GTTGAGGCAGGCGTGGCAGCGAGGGTGCACAGGCAGACAGGTCTGCTGGCCGAAGCCCAC-3'
Protein context (NP_002519.2, residues 285-304): VHPRCHACLN[Gln295Glu]ALCPAAQGL